The following is an entry in ClinVar:

NM_006206.6(PDGFRA):c.2698A>T (p.Met900Leu)

Gene: PDGFRA (platelet derived growth factor receptor alpha; plus strand). Cytogenetic location: 4q12.
Variant type: single nucleotide variant.
Coding change: c.2698A>T on transcript NM_006206.6 (MANE Select); coding-DNA position 2698, A replaced by T.
Protein change: p.Met900Leu; replaces methionine 900 with leucine.
Molecular consequence: missense variant.
Genome position (GRCh38, 1-based): chr4:54,288,822, A>T. VCF-style: chr4-54288822-A-T. GRCh37 (hg19) VCF-style: chr4-55154989-A-T.
Other names: c.2773A>T, p.Met925Leu (NM_001347828.2); c.2698A>T, p.Met900Leu (NM_001347829.2); c.2737A>T, p.Met913Leu (NM_001347830.2); short protein forms M900L, M925L, M913L.
Identifiers: ClinVar variation 459066 (VCV000459066.10), dbSNP rs1553906446, ClinGen allele CA356895448.
Genomic context (GRCh38, chr4:54,288,822, plus strand): 5'-GTTTGTTAGTCCTGGTGTTTTATTGTTTGGCTTTTAGGTGGCACCCCTTACCCCGGCATG[A>T]TGGTGGATTCTACTTTCTACAATAAGATCAAGAGTGGGTACCGGATGGCCAAGCCTGACC-3'
Protein context (NP_006197.1, residues 890-910): SLGGTPYPGM[Met900Leu]VDSTFYNKIK

ClinVar aggregate classification (germline): Uncertain significance. Review status: criteria provided, multiple submitters, no conflicts (2 of 4 stars). 2 submissions from 2 submitters: Uncertain significance (2). Last evaluated 2025-07-31.

Conditions:
Hereditary cancer-predisposing syndrome. Also called: Tumor predisposition; Hereditary neoplastic syndrome; Neoplastic Syndromes, Hereditary; Hereditary Cancer Syndrome. Identifiers: Orphanet 140162, MedGen C0027672, MeSH D009386, MONDO:0015356.
Gastrointestinal stromal tumor. Also called: Gastrointestinal stroma tumor; Gastrointestinal stromal tumor, somatic. Identifiers: Orphanet 44890, MedGen C0238198, MeSH D046152, MONDO:0011719, OMIM 606764, HP:0100723.

gnomAD v4.1: 2 of 1,612,772 alleles (0.00012%); highest among the groups gnomAD compares: East Asian, 0.0022%; no homozygotes.

Submissions (2):

Labcorp Genetics (formerly Invitae), Labcorp
Classification: Uncertain significance for Gastrointestinal stromal tumor. Last evaluated: 2025-07-31. Review status: criteria provided, single submitter. Criteria: Invitae Variant Classification Sherloc (09022015). Collection method: clinical testing. Allele origin: germline.
Comment: This sequence change replaces methionine, which is neutral and non-polar, with leucine, which is neutral and non-polar, at codon 900 of the PDGFRA protein (p.Met900Leu). This variant is not present in population databases (gnomAD no frequency). This variant has not been reported in the literature in individuals affected with PDGFRA-related conditions. ClinVar contains an entry for this variant (Variation ID: 459066). Invitae Evidence Modeling of protein sequence and biophysical properties (such as structural, functional, and spatial information, amino acid conservation, physicochemical variation, residue mobility, and thermodynamic stability) indicates that this missense variant is not expected to disrupt PDGFRA protein function with a negative predictive value of 80%. In summary, the available evidence is currently insufficient to determine the role of this variant in disease. Therefore, it has been classified as a Variant of Uncertain Significance.

Ambry Genetics
Classification: Uncertain significance for Hereditary cancer-predisposing syndrome. Last evaluated: 2024-05-17. Review status: criteria provided, single submitter. Criteria: Ambry Variant Classification Scheme 2023. Collection method: clinical testing. Allele origin: germline.
Comment: The p.M900L variant (also known as c.2698A>T), located in coding exon 19 of the PDGFRA gene, results from an A to T substitution at nucleotide position 2698. The methionine at codon 900 is replaced by leucine, an amino acid with highly similar properties. This amino acid position is conserved. In addition, this alteration is predicted to be tolerated by in silico analysis. Based on the available evidence, the clinical significance of this variant remains unclear.